The following is an entry in ClinVar:

ClinVar aggregate classification (germline): Uncertain significance (1 of 4 stars; one submission).

Conditions:
Familial hemophagocytic lymphohistiocytosis 2 (FHL2). Also called: PRF1-Related Familial Hemophagocytic Lymphohistiocytosis (PRF1-fHLH). Identifiers: Orphanet 540, MedGen C1863727, MONDO:0011337, OMIM 603553.

gnomAD v4.1: 5 of 1,614,228 alleles (0.00031%); highest among the groups gnomAD compares: South Asian, 0.0011%; no homozygotes.

Submission:

Labcorp Genetics (formerly Invitae), Labcorp
Classification: Uncertain significance for Familial hemophagocytic lymphohistiocytosis 2. Last evaluated: 2024-12-14. Review status: criteria provided, single submitter. Criteria: Invitae Variant Classification Sherloc (09022015). Collection method: clinical testing. Allele origin: germline.
Comment: This sequence change replaces serine, which is neutral and polar, with leucine, which is neutral and non-polar, at codon 301 of the PRF1 protein (p.Ser301Leu). This variant is not present in population databases (gnomAD no frequency). This missense change has been observed in individual(s) with clinical features of hemophagocytic lymphohistiocytosis (PMID: 32542393). Invitae Evidence Modeling of protein sequence and biophysical properties (such as structural, functional, and spatial information, amino acid conservation, physicochemical variation, residue mobility, and thermodynamic stability) indicates that this missense variant is not expected to disrupt PRF1 protein function with a negative predictive value of 95%. In summary, the available evidence is currently insufficient to determine the role of this variant in disease. Therefore, it has been classified as a Variant of Uncertain Significance.

Literature cited by the submitters: PubMed 32542393.

NM_001083116.3(PRF1):c.902C>T (p.Ser301Leu)

Gene: PRF1 (perforin 1; minus strand). Cytogenetic location: 10q22.1.
Variant type: single nucleotide variant.
Coding change: c.902C>T on transcript NM_001083116.3 (MANE Select); coding-DNA position 902, C replaced by T.
Protein change: p.Ser301Leu; replaces serine 301 with leucine.
Molecular consequence: missense variant.
Genome position (GRCh38, 1-based): chr10:70,598,819, G>A on the plus strand (C>T on the coding strand, the complement: PRF1 is on the minus strand). VCF-style: chr10-70598819-G-A. GRCh37 (hg19) VCF-style: chr10-72358575-G-A.
Other names: c.902C>T, p.Ser301Leu (NM_005041.6); short protein forms S301L.
Identifiers: ClinVar variation 3603428 (VCV003603428.2).
Genomic context (GRCh38, chr10:70,598,819, plus strand): 5'-CCGGCCTGGATCCCGAACAGCAGGTCGTTAATGGAGGTGTGATGGCCGCCAACCACTTCC[G>A]AGTGGCGCTCCCGGTAGGTTTGGTGGAAGGAGGCCGTCATCTTGTGCTTCTTCTTCTTCT-3'
Protein context (NP_001076585.1, residues 291-311): SFHQTYRERH[Ser301Leu]EVVGGHHTSI